The following is an entry in ClinVar:

ClinVar aggregate classification (germline): Uncertain significance. Review status: criteria provided, multiple submitters, no conflicts (2 of 4 stars). 2 submissions from 2 submitters: Uncertain significance (2). Last evaluated 2025-06-29.

Conditions:
Hereditary cancer-predisposing syndrome. Also called: Tumor predisposition; Neoplastic Syndromes, Hereditary; Hereditary Cancer Syndrome; Hereditary neoplastic syndrome. Identifiers: Orphanet 140162, MedGen C0027672, MeSH D009386, MONDO:0015356.
DICER1-related tumor predisposition. Also called: DICER1-related pleuropulmonary blastoma cancer predisposition syndrome; DICER1 syndrome. Identifiers: Orphanet 284343, MedGen C3839822, MONDO:0100216.

Submissions (2):

Labcorp Genetics (formerly Invitae), Labcorp
Classification: Uncertain significance for DICER1-related tumor predisposition. Last evaluated: 2025-06-29. Review status: criteria provided, single submitter. Criteria: Invitae Variant Classification Sherloc (09022015). Collection method: clinical testing. Allele origin: germline.
Comment: This sequence change replaces isoleucine, which is neutral and non-polar, with asparagine, which is neutral and polar, at codon 627 of the DICER1 protein (p.Ile627Asn). This variant is not present in population databases (gnomAD no frequency). This variant has not been reported in the literature in individuals affected with DICER1-related conditions. ClinVar contains an entry for this variant (Variation ID: 1781888). Invitae Evidence Modeling of protein sequence and biophysical properties (such as structural, functional, and spatial information, amino acid conservation, physicochemical variation, residue mobility, and thermodynamic stability) indicates that this missense variant is not expected to disrupt DICER1 protein function with a negative predictive value of 95%. In summary, the available evidence is currently insufficient to determine the role of this variant in disease. Therefore, it has been classified as a Variant of Uncertain Significance.

Ambry Genetics
Classification: Uncertain significance for Hereditary cancer-predisposing syndrome. Last evaluated: 2020-10-14. Review status: criteria provided, single submitter. Criteria: Ambry Variant Classification Scheme 2023. Collection method: clinical testing. Allele origin: germline.
Comment: The p.I627N variant (also known as c.1880T>A), located in coding exon 10 of the DICER1 gene, results from a T to A substitution at nucleotide position 1880. The isoleucine at codon 627 is replaced by asparagine, an amino acid with dissimilar properties. This amino acid position is well conserved in available vertebrate species. In addition, the in silico prediction for this alteration is inconclusive. Since supporting evidence is limited at this time, the clinical significance of this alteration remains unclear.

NM_177438.3(DICER1):c.1880T>A (p.Ile627Asn)

Gene: DICER1 (dicer 1, ribonuclease III; minus strand). Cytogenetic location: 14q32.13.
Variant type: single nucleotide variant.
Coding change: c.1880T>A on transcript NM_177438.3 (MANE Select); coding-DNA position 1880, T replaced by A.
Protein change: p.Ile627Asn; replaces isoleucine 627 with asparagine.
Molecular consequence: missense variant. On other transcripts: non-coding transcript variant (6).
Genome position (GRCh38, 1-based): chr14:95,115,694, A>T on the plus strand (T>A on the coding strand, the complement: DICER1 is on the minus strand). VCF-style: chr14-95115694-A-T. GRCh37 (hg19) VCF-style: chr14-95582031-A-T.
Other names: c.1880T>A, p.Ile627Asn (NM_001195573.1, NM_001271282.3, NM_001291628.2 and 13 more transcripts); c.1598T>A, p.Ile533Asn (NM_001395686.1); c.1475T>A, p.Ile492Asn (NM_001395687.1, NM_001395688.1, NM_001395689.1 and 3 more transcripts); c.1313T>A, p.Ile438Asn (NM_001395691.1); c.197T>A, p.Ile66Asn (NM_001395697.1); short protein forms I66N, I438N, I533N, I492N, I627N.
Identifiers: ClinVar variation 1781888 (VCV001781888.3), dbSNP rs2543002289, ClinGen allele CA390883935.